The following is an entry in ClinVar:

NM_213599.3(ANO5):c.1059C>A (p.Cys353Ter)

Gene: ANO5 (anoctamin 5; plus strand). Cytogenetic location: 11p14.3.
Variant type: single nucleotide variant.
Coding change: c.1059C>A on transcript NM_213599.3 (MANE Select); coding-DNA position 1059, C replaced by A.
Protein change: p.Cys353Ter; replaces cysteine 353 with a stop codon.
Molecular consequence: nonsense.
Genome position (GRCh38, 1-based): chr11:22,250,786, C>A. VCF-style: chr11-22250786-C-A. GRCh37 (hg19) VCF-style: chr11-22272332-C-A.
Other names: c.903C>A, p.Cys301Ter (NM_001441298.1); c.900C>A, p.Cys300Ter (NM_001441299.1); c.1017C>A, p.Cys339Ter (NM_001441300.1, NM_001410963.1); c.1014C>A, p.Cys338Ter (NM_001441301.1, NM_001410964.1); c.966C>A, p.Cys322Ter (NM_001441302.1, NM_001441296.1); c.981C>A, p.Cys327Ter (NM_001441294.1); c.978C>A, p.Cys326Ter (NM_001441295.1); c.939C>A, p.Cys313Ter (NM_001441297.1); and 1 more; short protein forms C313*, C300*, C301*, C322*, C338*, C326*, C353*, C327*.
Identifiers: ClinVar variation 4787828 (VCV004787828.1).

ClinVar aggregate classification (germline): Pathogenic (1 of 4 stars; one submission).

Conditions:
Gnathodiaphyseal dysplasia (GDD). Also called: GNATHODIAPHYSEAL SCLEROSIS; OSTEOGENESIS IMPERFECTA WITH UNUSUAL SKELETAL LESIONS. Identifiers: Orphanet 53697, MedGen C1833736, MONDO:0008151, OMIM 166260.
Autosomal recessive limb-girdle muscular dystrophy type 2L (LGMDR12). Also called: Limb-girdle muscular dystrophy, type 2L; MUSCULAR DYSTROPHY, LIMB-GIRDLE, AUTOSOMAL RECESSIVE 12; Limb-Girdle Muscular Dystrophy R12 Anoctamin-5-Related (LGMD-R12). Identifiers: Orphanet 206549, MedGen C1969785, MONDO:0012652, OMIM 611307.

Submission:

Labcorp Genetics (formerly Invitae), Labcorp
Classification: Pathogenic for Autosomal recessive limb-girdle muscular dystrophy type 2L; Gnathodiaphyseal dysplasia. Last evaluated: 2025-02-04. Review status: criteria provided, single submitter. Criteria: Invitae Variant Classification Sherloc (09022015). Collection method: clinical testing. Allele origin: germline.
Comment: This sequence change creates a premature translational stop signal (p.Cys353*) in the ANO5 gene. It is expected to result in an absent or disrupted protein product. Loss-of-function variants in ANO5 are known to be pathogenic (PMID: 21186264, 23606453, 25891276, 30919934). This variant is not present in population databases (gnomAD no frequency). This variant has not been reported in the literature in individuals affected with ANO5-related conditions. For these reasons, this variant has been classified as Pathogenic.

Literature cited by the submitters: PubMed 21186264; PubMed 23606453; PubMed 25891276; PubMed 30919934.